The following is an entry in ClinVar:

ClinVar aggregate classification (germline): Pathogenic. Review status: criteria provided, multiple submitters, no conflicts (2 of 4 stars). 4 submissions from 4 submitters: Pathogenic (3). 1 of the submissions does not count toward it. Last evaluated 2025-09-09.

Conditions:
Intellectual developmental disorder, autosomal dominant 6, with or without seizures. Also called: GRIN2B-related developmental delay, intellectual disability and autism spectrum disorder; Intellectual disability, autosomal dominant 6. Identifiers: Orphanet 589547, MedGen C3151411, MONDO:0013509, OMIM 613970.

Submissions (4):

GeneDx
Classification: Pathogenic. Last evaluated: 2025-09-09. Review status: criteria provided, single submitter. Criteria: GeneDx Variant Classification Process June 2021. Collection method: clinical testing. Allele origin: germline. Affected: yes.
Comment: Canonical splice site variant predicted to result in a null allele in a gene for which loss of function is a known mechanism of disease; Reported as a de novo variant by exome sequencing in an individual with mild intellectual disability and regression; the proband was also found to have a de novo synonymous variant in a different gene (PMID: 21572417); Not observed at significant frequency in large population cohorts (gnomAD); This variant is associated with the following publications: (PMID: 25363768, 28191890, 31548203, 31332282, 31981491, 35982160, 36368308, 31133750, 35982159, 31785789, 33004838, 28377535, 21572417)

Breda Genetics srl
Classification: Pathogenic for Intellectual developmental disorder, autosomal dominant 6, with or without seizures. Last evaluated: 2020-09-01. Review status: criteria provided, single submitter. Criteria: ACMG Guidelines, 2015. Collection method: clinical testing. Allele origin: germline. Inheritance: Autosomal dominant inheritance. Affected: yes. Observed: 1 variant allele, 1 heterozygote.
Comment: The variant c.2172-2A>G in the GRIN2B gene is reported as pathogenic for autosomal dominant mental retardation 6 in ClinVar (Variation ID: 39659). The variant affects the acceptor splice site of intron 10 and is therefore highly likely to impact the splicing process by causing the exclusion of the following exons from the mature transcript and the translation of an aberrant protein or a shift in the reading frame. There is no information on frequency in gnomAD, 1000 Genomes or NHLI Exome Sequencing Project (ESP). The c.2172-2A>G de novo pathogenic variant has already been reported by Oâ€™Roak et al. (2012) in a patient with autism, a nonverbal IQ of 65 and developmental regression (PMID: 23160955).

Institute of Human Genetics, University of Leipzig Medical Center
Classification: Pathogenic for Intellectual developmental disorder, autosomal dominant 6, with or without seizures. Last evaluated: 2017-04-04. Review status: criteria provided, single submitter. Criteria: ACMG Guidelines, 2015. Collection method: clinical testing. Allele origin: de novo. Affected: yes.
Comment: This variant was identified as de novo (maternity and paternity confirmed).

OMIM
Classification: Pathogenic for INTELLECTUAL DEVELOPMENTAL DISORDER, AUTOSOMAL DOMINANT 6. Last evaluated: 2012-12-21. Review status: no assertion criteria provided. Collection method: literature only. Allele origin: germline. Not counted in ClinVar's aggregate classification.

Literature cited by the submitters: PubMed 23160955 (cited by Breda Genetics srl and OMIM); PubMed 28377535 (cited by Institute of Human Genetics, University of Leipzig Medical Center).

NM_000834.5(GRIN2B):c.2172-2A>G

Gene: GRIN2B (glutamate ionotropic receptor NMDA type subunit 2B; minus strand). Cytogenetic location: 12p13.1.
Variant type: single nucleotide variant.
Coding change: c.2172-2A>G on transcript NM_000834.5 (MANE Select); the canonical splice acceptor site of the intron before coding-DNA position 2172, A replaced by G.
Molecular consequence: splice acceptor variant.
Genome position (GRCh38, 1-based): chr12:13,570,019, T>C on the plus strand (A>G on the coding strand, the complement: GRIN2B is on the minus strand). VCF-style: chr12-13570019-T-C. GRCh37 (hg19) VCF-style: chr12-13722953-T-C.
Other names: NT2172, A-G, -2; c.2172-2A>G (NM_001413992.1).
Identifiers: ClinVar variation 39659 (VCV000039659.7), dbSNP rs398122824, ClinGen allele CA130437.